The following is an entry in ClinVar:

ClinVar aggregate classification (germline): Likely benign. Review status: criteria provided, multiple submitters, no conflicts (2 of 4 stars). 3 submissions from 3 submitters: Likely benign (3). Last evaluated 2026-09-23.

Conditions:
Neurofibromatosis, type 1 (NF1). Also called: VON RECKLINGHAUSEN DISEASE; NEUROFIBROMATOSIS, TYPE I, SOMATIC; Neurofibromatosis, type I; Peripheral type neurofibromatosis. Identifiers: Orphanet 636, MedGen C0027831, MONDO:0018975, OMIM 162200. Disease mechanism: loss of function.
Neurofibromatosis, familial spinal (FSNF). Identifiers: Orphanet 636, MedGen C1834235, MONDO:0008078, OMIM 162210. Disease mechanism: loss of function.

Allele frequency attached by ClinVar (database versions not stated): gnomAD exomes 0.00001 and below 0.00001.
gnomAD v4.1: 12 of 1,612,508 alleles (0.00074%); highest among the groups gnomAD compares: Middle Eastern, 0.016%; no homozygotes.

Submissions (3):

Myriad Genetics, Inc.
Classification: Likely benign for Neurofibromatosis, type 1. Last evaluated: 2026-09-23. Review status: criteria provided, single submitter. Criteria: Myriad Autosomal Dominant, Autosomal Recessive and X-Linked Classification Criteria (2023). Collection method: clinical testing. Allele origin: unknown.
Comment: This variant is considered likely benign. This variant is intronic and is not expected to impact mRNA splicing.

Labcorp Genetics (formerly Invitae), Labcorp
Classification: Likely benign for Neurofibromatosis, type 1. Last evaluated: 2025-09-10. Review status: criteria provided, single submitter. Criteria: Invitae Variant Classification Sherloc (09022015). Collection method: clinical testing. Allele origin: germline.

KCCC/NGS Laboratory, Kuwait Cancer Control Center
Classification: Likely benign for Neurofibromatosis, familial spinal. Last evaluated: 2023-07-07. Review status: criteria provided, single submitter. Criteria: ACMG Guidelines, 2015. Collection method: clinical testing. Allele origin: germline. Affected: yes.

NM_001042492.3(NF1):c.8161-8C>T

Gene: NF1 (neurofibromin 1; plus strand). Cytogenetic location: 17q11.2.
Variant type: single nucleotide variant.
Coding change: c.8161-8C>T on transcript NM_001042492.3 (MANE Select); 8 bases into the intron before coding-DNA position 8161, C replaced by T.
Molecular consequence: intron variant.
Genome position (GRCh38, 1-based): chr17:31,360,479, C>T. VCF-style: chr17-31360479-C-T. GRCh37 (hg19) VCF-style: chr17-29687497-C-T.
Other names: c.8098-8C>T (NM_000267.4); c.8161-8C>T (NM_001042492.2).
Identifiers: ClinVar variation 457868 (VCV000457868.12), dbSNP rs1425972521, ClinGen allele CA625786004.